The following is an entry in ClinVar:

ClinVar aggregate classification (germline): Likely benign. Review status: criteria provided, multiple submitters, no conflicts (2 of 4 stars). 3 submissions from 3 submitters: Likely benign (2). 1 of the submissions does not count toward it. Last evaluated 2025-11-12.

Conditions:
Cohen syndrome (COH1). Also called: PEPPER SYNDROME; Cutis verticis gyrata, retinitis pigmentosa, and sensorineural deafness. Identifiers: Orphanet 193, MedGen C0265223, MONDO:0008999, OMIM 216550.
VPS13B-related disorder. Also called: VPS13B-related condition.

Allele frequency attached by ClinVar (database versions not stated): ExAC 0.00001; gnomAD exomes 0.00002 and 0.00003; TOPMed 0.00002.
gnomAD v4.1: 9 of 1,614,248 alleles (0.00056%); highest among the groups gnomAD compares: Admixed American, 0.015%; no homozygotes.

Submissions (3):

Labcorp Genetics (formerly Invitae), Labcorp
Classification: Likely benign for Cohen syndrome. Last evaluated: 2025-11-12. Review status: criteria provided, single submitter. Criteria: Invitae Variant Classification Sherloc (09022015). Collection method: clinical testing. Allele origin: germline.

Blueprint Genetics
Classification: Likely benign. Last evaluated: 2020-01-21. Review status: criteria provided, single submitter. Criteria: ACMG Guidelines, 2015. Collection method: clinical testing. Allele origin: germline.

PreventionGenetics, part of Exact Sciences
Classification: Likely benign for VPS13B-related condition. Last evaluated: 2020-10-13. Review status: no assertion criteria provided. Collection method: clinical testing. Allele origin: germline. Not counted in ClinVar's aggregate classification.
Comment: This variant is classified as likely benign based on ACMG/AMP sequence variant interpretation guidelines (Richards et al. 2015 PMID: 25741868, with internal and published modifications).

NM_152564.5(VPS13B):c.11523A>T (p.Pro3841=)

Gene: VPS13B (vacuolar protein sorting 13 homolog B; plus strand). Cytogenetic location: 8q22.2.
Variant type: single nucleotide variant.
Coding change: c.11523A>T on transcript NM_152564.5 (MANE Select); coding-DNA position 11523, A replaced by T.
Protein change: p.Pro3841=; no amino-acid change (proline 3841 retained).
Molecular consequence: synonymous variant.
Genome position (GRCh38, 1-based): chr8:99,871,475, A>T. VCF-style: chr8-99871475-A-T. GRCh37 (hg19) VCF-style: chr8-100883703-A-T.
Other names: c.11598A>T, p.Pro3866= (NM_017890.5); c.11523A>T (NM_152564.4).
Identifiers: ClinVar variation 1134721 (VCV001134721.12), dbSNP rs755978513, ClinGen allele CA4825271.